The following is an entry in ClinVar:

ClinVar aggregate classification (germline): Pathogenic (1 of 4 stars; one submission).

Conditions:
Neurofibromatosis, type 1 (NF1). Also called: VON RECKLINGHAUSEN DISEASE; NEUROFIBROMATOSIS, TYPE I, SOMATIC; Peripheral type neurofibromatosis; Neurofibromatosis, type I. Identifiers: Orphanet 636, MedGen C0027831, MONDO:0018975, OMIM 162200. Disease mechanism: loss of function.

Submission:

Labcorp Genetics (formerly Invitae), Labcorp
Classification: Pathogenic for Neurofibromatosis, type 1. Last evaluated: 2019-06-27. Review status: criteria provided, single submitter. Criteria: Invitae Variant Classification Sherloc (09022015). Collection method: clinical testing. Allele origin: germline.
Comment: For these reasons, this variant has been classified as Pathogenic. This sequence change creates a premature translational stop signal (p.Tyr1671Phefs*6) in the NF1 gene. It is expected to result in an absent or disrupted protein product. This variant is not present in population databases (ExAC no frequency). This variant has not been reported in the literature in individuals with NF1-related conditions. Loss-of-function variants in NF1 are known to be pathogenic (PMID: 10712197, 23913538).

Literature cited by the submitters: PubMed 10712197; PubMed 23913538.

NM_001042492.3(NF1):c.5075del (p.Tyr1692fs)

Gene: NF1 (neurofibromin 1; plus strand). Cytogenetic location: 17q11.2.
Variant type: Deletion.
Coding change: c.5075del on transcript NM_001042492.3 (MANE Select); coding-DNA position 5075, one base deleted (A; older notation c.5075delA).
Protein change: p.Tyr1692fs; shifts the reading frame from tyrosine 1692.
Molecular consequence: frameshift variant.
Genome position (GRCh38, 1-based): chr17:31,326,059, A deleted. VCF-style (leftmost placement, unchanged base first): chr17-31326058-TA-T. GRCh37 (hg19) VCF-style: chr17-29653076-TA-T.
Other names: c.5012delA, p.Tyr1671Phefs (NM_000267.4); short protein forms Y1692fs, Y1671fs.
Identifiers: ClinVar variation 951057 (VCV000951057.6), dbSNP rs2069332805, ClinGen allele CA1139665383.